The following is an entry in ClinVar:

NM_030662.4(MAP2K2):c.707C>T (p.Pro236Leu)

Gene: MAP2K2 (mitogen-activated protein kinase kinase 2; minus strand). Cytogenetic location: 19p13.3.
Variant type: single nucleotide variant.
Coding change: c.707C>T on transcript NM_030662.4 (MANE Select); coding-DNA position 707, C replaced by T.
Protein change: p.Pro236Leu; replaces proline 236 with leucine.
Molecular consequence: missense variant.
Genome position (GRCh38, 1-based): chr19:4,099,413, G>A on the plus strand (C>T on the coding strand, the complement: MAP2K2 is on the minus strand). VCF-style: chr19-4099413-G-A. GRCh37 (hg19) VCF-style: chr19-4099411-G-A.
Other names: c.707C>T (NM_030662.3); short protein forms P236L.
Identifiers: ClinVar variation 591250 (VCV000591250.6), dbSNP rs1309234276, ClinGen allele CA403387996.

ClinVar aggregate classification (germline): Uncertain significance. Review status: criteria provided, multiple submitters, no conflicts (2 of 4 stars). 3 submissions from 3 submitters: Uncertain significance (2). 1 of the submissions does not count toward it. Last evaluated 2024-10-18.

Conditions:
RASopathy. Also called: Noonan spectrum disorder; rasopathies. Identifiers: Orphanet 536391, MedGen C5555857, MONDO:0021060.
Cardiovascular phenotype. Identifiers: MedGen CN230736.

Allele frequency attached by ClinVar (database versions not stated): gnomAD exomes below 0.00001; gnomAD 0.00001; TOPMed 0.00001.
gnomAD v4.1: 8 of 1,599,314 alleles (0.0005%); highest among the groups gnomAD compares: African/African-American, 0.0013%; no homozygotes.

Submissions (3):

Labcorp Genetics (formerly Invitae), Labcorp
Classification: Uncertain significance for RASopathy. Last evaluated: 2024-10-18. Review status: criteria provided, single submitter. Criteria: Invitae Variant Classification Sherloc (09022015). Collection method: clinical testing. Allele origin: germline.
Comment: This sequence change replaces proline, which is neutral and non-polar, with leucine, which is neutral and non-polar, at codon 236 of the MAP2K2 protein (p.Pro236Leu). This variant is present in population databases (no rsID available, gnomAD 0.0009%). This variant has not been reported in the literature in individuals affected with MAP2K2-related conditions. ClinVar contains an entry for this variant (Variation ID: 591250). An algorithm developed to predict the effect of missense changes on protein structure and function (PolyPhen-2) suggests that this variant is likely to be disruptive. In summary, the available evidence is currently insufficient to determine the role of this variant in disease. Therefore, it has been classified as a Variant of Uncertain Significance.

Ambry Genetics
Classification: Uncertain significance for Cardiovascular phenotype. Last evaluated: 2023-07-29. Review status: criteria provided, single submitter. Criteria: Ambry Variant Classification Scheme 2023. Collection method: clinical testing. Allele origin: germline.
Comment: The p.P236L variant (also known as c.707C>T), located in coding exon 7 of the MAP2K2 gene, results from a C to T substitution at nucleotide position 707. The proline at codon 236 is replaced by leucine, an amino acid with similar properties. This amino acid position is conserved. In addition, this alteration is predicted to be deleterious by in silico analysis. Since supporting evidence is limited at this time, the clinical significance of this alteration remains unclear.

Gharavi Laboratory, Columbia University
Classification: Uncertain significance. Last evaluated: 2018-09-16. Review status: no assertion criteria provided. Criteria: ACMG Guidelines, 2015. Collection method: research. Allele origin: germline. Affected: yes. Not counted in ClinVar's aggregate classification.